The following is an entry in ClinVar:

NM_000069.3(CACNA1S):c.1363A>T (p.Asn455Tyr)

Gene: CACNA1S (calcium voltage-gated channel subunit alpha1 S; minus strand). Cytogenetic location: 1q32.1.
Variant type: single nucleotide variant.
Coding change: c.1363A>T on transcript NM_000069.3 (MANE Select); coding-DNA position 1363, A replaced by T.
Protein change: p.Asn455Tyr; replaces asparagine 455 with tyrosine.
Molecular consequence: missense variant.
Genome position (GRCh38, 1-based): chr1:201,083,192, T>A on the plus strand (A>T on the coding strand, the complement: CACNA1S is on the minus strand). VCF-style: chr1-201083192-T-A. GRCh37 (hg19) VCF-style: chr1-201052320-T-A.
Other names: short protein forms N455Y.
Identifiers: ClinVar variation 3386384 (VCV003386384.1).

ClinVar aggregate classification (germline): Uncertain significance (1 of 4 stars; one submission).

Conditions:
Malignant hyperthermia, susceptibility to, 5 (MHS5). Also called: CACNA1S-Related Malignant Hyperthermia Susceptibility. Identifiers: Orphanet 423, MedGen C1866077, MONDO:0011163, OMIM 601887.

gnomAD v4.1: 3 of 1,614,172 alleles (0.00019%); highest among the groups gnomAD compares: Non-Finnish European, 0.00017%; no homozygotes.

Submission:

All of Us Research Program, National Institutes of Health
Classification: Uncertain significance for Malignant hyperthermia, susceptibility to, 5. Last evaluated: 2024-05-17. Review status: criteria provided, single submitter. Criteria: ACMG Guidelines, 2015. Collection method: clinical testing. Allele origin: germline. Inheritance: Autosomal dominant inheritance. Observed: 1 variant allele, 1 heterozygote.
Comment: This study involves interpretation of variants in research participants for the purpose of population health screening. Participant phenotype was not available at the time of variant classification. Additional details can be found in publication PMID: 35346344, PMCID: PMC8962531